The following is an entry in ClinVar:

ClinVar aggregate classification (germline): Likely benign. Review status: criteria provided, multiple submitters, no conflicts (2 of 4 stars). 3 submissions from 3 submitters: Likely benign (3). Last evaluated 2026-01-27.

Conditions:
Long QT syndrome (LQTS). Identifiers: MedGen C0023976, MeSH D008133, MONDO:0002442. Disease mechanism: loss of function. Inheritance: Various modes of inheritance.

Allele frequency attached by ClinVar (database versions not stated): TOPMed 0.00018; 1000 Genomes Project 0.00040; 1000 Genomes Project 30x 0.00047.
gnomAD v4.1: 47 of 1,613,574 alleles (0.0029%); highest among the groups gnomAD compares: African/African-American, 0.057%; no homozygotes.

Submissions (3):

Labcorp Genetics (formerly Invitae), Labcorp
Classification: Likely benign for Long QT syndrome. Last evaluated: 2026-01-27. Review status: criteria provided, single submitter. Criteria: Invitae Variant Classification Sherloc (09022015). Collection method: clinical testing. Allele origin: germline.

Women's Health and Genetics/Laboratory Corporation of America, LabCorp
Classification: Likely benign. Last evaluated: 2024-12-12. Review status: criteria provided, single submitter. Criteria: LabCorp Variant Classification Summary - May 2015. Collection method: clinical testing. Allele origin: germline.

GeneDx
Classification: Likely benign. Last evaluated: 2017-09-08. Review status: criteria provided, single submitter. Criteria: GeneDx Variant Classification (06012015). Collection method: clinical testing. Allele origin: germline. Affected: yes.
Comment: This variant is considered likely benign or benign based on one or more of the following criteria: it is a conservative change, it occurs at a poorly conserved position in the protein, it is predicted to be benign by multiple in silico algorithms, and/or has population frequency not consistent with disease.

NM_000218.3(KCNQ1):c.1251+13C>A

Gene: KCNQ1 (potassium voltage-gated channel subfamily Q member 1; plus strand). Cytogenetic location: 11p15.5.
Variant type: single nucleotide variant.
Coding change: c.1251+13C>A on transcript NM_000218.3 (MANE Select); 13 bases into the intron after coding-DNA position 1251, C replaced by A.
Molecular consequence: intron variant.
Genome position (GRCh38, 1-based): chr11:2,587,705, C>A. VCF-style: chr11-2587705-C-A. GRCh37 (hg19) VCF-style: chr11-2608935-C-A.
Other names: c.981+13C>A (NM_001406837.1); c.1155+13C>A (NM_001406836.1); c.711+13C>A (NM_001406838.1); c.870+13C>A (NM_181798.2).
Identifiers: ClinVar variation 511969 (VCV000511969.11), dbSNP rs201364493, ClinGen allele CA027900.
Genomic context (GRCh38, chr11:2,587,705, plus strand): 5'-AGCCACACTCTGCTGTCACCCAGCCCCAAACCCAAGAAGTCTGTGGTGGTGAGTAGCCCA[C>A]CTGCCACCAGGGCAGGGCCTTCTTGCTAGCAGGTGGGGAGGCCGTGGGGGCCGCAGCACG-3'